The following is an entry in ClinVar:

ClinVar aggregate classification (germline): Pathogenic (1 of 4 stars; one submission).

Allele frequency attached by ClinVar (database versions not stated): ExAC 0.00001.
gnomAD v4.1: 1 of 1,609,380 alleles (0.000062%); highest among the groups gnomAD compares: Non-Finnish European, 0.000085%; no homozygotes.

Submission:

Labcorp Genetics (formerly Invitae), Labcorp
Classification: Pathogenic. Last evaluated: 2024-11-05. Review status: criteria provided, single submitter. Criteria: Invitae Variant Classification Sherloc (09022015). Collection method: clinical testing. Allele origin: germline.
Comment: This sequence change affects a donor splice site in intron 46 of the MYO7A gene. It is expected to disrupt RNA splicing. Variants that disrupt the donor or acceptor splice site typically lead to a loss of protein function (PMID: 16199547), and loss-of-function variants in MYO7A are known to be pathogenic (PMID: 8900236, 25404053). This variant is present in population databases (rs750905566, gnomAD 0.0009%). Disruption of this splice site has been observed in individual(s) with autosomal recessive deafness (PMID: 23770805). It has also been observed to segregate with disease in related individuals. ClinVar contains an entry for this variant (Variation ID: 2135015). Algorithms developed to predict the effect of sequence changes on RNA splicing suggest that this variant may disrupt the consensus splice site. For these reasons, this variant has been classified as Pathogenic.

Literature cited by the submitters: PubMed 16199547; PubMed 8900236; PubMed 25404053; PubMed 23770805.

NM_000260.4(MYO7A):c.6354+1G>C

Gene: MYO7A (myosin VIIA; plus strand). Cytogenetic location: 11q13.5.
Variant type: single nucleotide variant.
Coding change: c.6354+1G>C on transcript NM_000260.4 (MANE Select); the canonical splice donor site of the intron after coding-DNA position 6354, G replaced by C.
Molecular consequence: splice donor variant. On other transcripts: intron variant (1).
Genome position (GRCh38, 1-based): chr11:77,211,938, G>C. VCF-style: chr11-77211938-G-C. GRCh37 (hg19) VCF-style: chr11-76922983-G-C.
Other names: c.6207+1G>C (NM_001369365.1); c.6234+7G>C (NM_001127180.2).
Identifiers: ClinVar variation 2135015 (VCV002135015.4), dbSNP rs750905566, ClinGen allele CA6199003.